The following is an entry in ClinVar:

NM_005909.5(MAP1B):c.6223G>A (p.Glu2075Lys)

Gene: MAP1B (microtubule associated protein 1B; plus strand). Cytogenetic location: 5q13.2.
Variant type: single nucleotide variant.
Coding change: c.6223G>A on transcript NM_005909.5 (MANE Select); coding-DNA position 6223, G replaced by A.
Protein change: p.Glu2075Lys; replaces glutamic acid 2075 with lysine.
Molecular consequence: missense variant.
Genome position (GRCh38, 1-based): chr5:72,199,578, G>A. VCF-style: chr5-72199578-G-A. GRCh37 (hg19) VCF-style: chr5-71495405-G-A.
Other names: c.5845G>A, p.Glu1949Lys (NM_001324255.2); short protein forms E1949K, E2075K.
Identifiers: ClinVar variation 4051111 (VCV004051111.2).

ClinVar aggregate classification (germline): Uncertain significance. Review status: criteria provided, multiple submitters, no conflicts (2 of 4 stars). 2 submissions from 2 submitters: Uncertain significance (2). Last evaluated 2026-08-01.

Conditions:
Inborn genetic diseases. Identifiers: MedGen C0950123, MeSH D030342.

gnomAD v4.1: 1 of 1,614,148 alleles (0.000062%); highest among the groups gnomAD compares: Admixed American, 0.0017%; no homozygotes.

Submissions (2):

CeGaT Center for Human Genetics Tuebingen
Classification: Uncertain significance. Last evaluated: 2026-08-01. Review status: criteria provided, single submitter. Criteria: CeGaT Center For Human Genetics Tuebingen Variant Classification Criteria Version 2. Collection method: clinical testing. Allele origin: germline. Affected: yes. Observed: 1 variant allele.
Comment: MAP1B: PM2:Supporting, BP4

Ambry Genetics
Classification: Uncertain significance for Inborn genetic diseases. Last evaluated: 2025-05-04. Review status: criteria provided, single submitter. Criteria: Ambry Variant Classification Scheme 2023. Collection method: clinical testing. Allele origin: germline.